The following is an entry in ClinVar:

NM_015386.3(COG4):c.748A>G (p.Lys250Glu)

Gene: COG4 (component of oligomeric golgi complex 4; minus strand). Cytogenetic location: 16q22.1.
Variant type: single nucleotide variant.
Coding change: c.748A>G on transcript NM_015386.3 (MANE Select); coding-DNA position 748, A replaced by G.
Protein change: p.Lys250Glu; replaces lysine 250 with glutamic acid.
Molecular consequence: missense variant. On other transcripts: non-coding transcript variant (1).
Genome position (GRCh38, 1-based): chr16:70,510,012, T>C on the plus strand (A>G on the coding strand, the complement: COG4 is on the minus strand). VCF-style: chr16-70510012-T-C. GRCh37 (hg19) VCF-style: chr16-70543915-T-C.
Other names: c.736A>G, p.Lys246Glu (NM_001195139.2); c.322A>G, p.Lys108Glu (NM_001365426.1); short protein forms K108E, K246E, K250E.
Identifiers: ClinVar variation 3633653 (VCV003633653.2).

ClinVar aggregate classification (germline): Uncertain significance (1 of 4 stars; one submission).

Conditions:
COG4-congenital disorder of glycosylation. Also called: COG4-CDG; CONGENITAL DISORDER OF GLYCOSYLATION, TYPE IIj; CDG IIj. Identifiers: Orphanet 263501, MedGen C4303552, MONDO:0013281, OMIM 613489.

Submission:

Labcorp Genetics (formerly Invitae), Labcorp
Classification: Uncertain significance for COG4-congenital disorder of glycosylation. Last evaluated: 2024-10-08. Review status: criteria provided, single submitter. Criteria: Invitae Variant Classification Sherloc (09022015). Collection method: clinical testing. Allele origin: germline.
Comment: This sequence change replaces lysine, which is basic and polar, with glutamic acid, which is acidic and polar, at codon 250 of the COG4 protein (p.Lys250Glu). This variant is not present in population databases (gnomAD no frequency). This variant has not been reported in the literature in individuals affected with COG4-related conditions. Invitae Evidence Modeling of protein sequence and biophysical properties (such as structural, functional, and spatial information, amino acid conservation, physicochemical variation, residue mobility, and thermodynamic stability) indicates that this missense variant is not expected to disrupt COG4 protein function with a negative predictive value of 80%. In summary, the available evidence is currently insufficient to determine the role of this variant in disease. Therefore, it has been classified as a Variant of Uncertain Significance.